The following is an entry in ClinVar:

ClinVar aggregate classification (germline): Uncertain significance (1 of 4 stars; one submission).

Conditions:
Sulfite oxidase deficiency due to molybdenum cofactor deficiency type C. Also called: Molybdenum cofactor deficiency C; Molybdenum cofactor deficiency, complementation group C. Identifiers: Orphanet 308400, Orphanet 833, MedGen C1854990, MONDO:0014212, OMIM 615501.

Allele frequency attached by ClinVar (database versions not stated): gnomAD exomes 0.00001; ExAC 0.00001.
gnomAD v4.1: 10 of 1,613,136 alleles (0.00062%); highest among the groups gnomAD compares: Admixed American, 0.0017%; no homozygotes.

Submission:

Labcorp Genetics (formerly Invitae), Labcorp
Classification: Uncertain significance for Sulfite oxidase deficiency due to molybdenum cofactor deficiency type C. Last evaluated: 2025-05-02. Review status: criteria provided, single submitter. Criteria: Invitae Variant Classification Sherloc (09022015). Collection method: clinical testing. Allele origin: germline.
Comment: This sequence change falls in intron 14 of the GPHN gene. It does not directly change the encoded amino acid sequence of the GPHN protein. It affects a nucleotide within the consensus splice site. This variant is present in population databases (rs767550817, gnomAD 0.003%). This variant has not been reported in the literature in individuals affected with GPHN-related conditions. ClinVar contains an entry for this variant (Variation ID: 2087074). Variants that disrupt the consensus splice site are a relatively common cause of aberrant splicing (PMID: 17576681, 9536098). Algorithms developed to predict the effect of sequence changes on RNA splicing suggest that this variant may disrupt the consensus splice site. In summary, the available evidence is currently insufficient to determine the role of this variant in disease. Therefore, it has been classified as a Variant of Uncertain Significance.

Literature cited by the submitters: PubMed 17576681; PubMed 9536098.

NM_020806.5(GPHN):c.1413+5G>A

Gene: GPHN (gephyrin; plus strand). Cytogenetic location: 14q23.3.
Variant type: single nucleotide variant.
Coding change: c.1413+5G>A on transcript NM_020806.5 (MANE Select); 5 bases into the intron after coding-DNA position 1413, G replaced by A.
Molecular consequence: intron variant.
Genome position (GRCh38, 1-based): chr14:67,110,264, G>A. VCF-style: chr14-67110264-G-A. GRCh37 (hg19) VCF-style: chr14-67576981-G-A.
Other names: c.1473+5G>A (NM_001377514.1); c.1353+5G>A (NM_001377519.1); c.1443+5G>A (NM_001377515.1); c.1434+5G>A (NM_001377516.1); c.1371+5G>A (NM_001377518.1); c.1386+5G>A (NM_001377517.1); c.1314+5G>A (NM_001024218.2).
Identifiers: ClinVar variation 2087074 (VCV002087074.4), dbSNP rs767550817, ClinGen allele CA7234071.